The following is an entry in ClinVar:

NM_001077365.2(POMT1):c.662A>C (p.His221Pro)

Gene: POMT1 (protein O-mannosyltransferase 1; plus strand). Cytogenetic location: 9q34.13.
Variant type: single nucleotide variant.
Coding change: c.662A>C on transcript NM_001077365.2 (MANE Select); coding-DNA position 662, A replaced by C.
Protein change: p.His221Pro; replaces histidine 221 with proline.
Molecular consequence: missense variant. On other transcripts: non-coding transcript variant (10).
Genome position (GRCh38, 1-based): chr9:131,509,959, A>C. VCF-style: chr9-131509959-A-C. GRCh37 (hg19) VCF-style: chr9-134385346-A-C.
Other names: c.500A>C, p.His167Pro (NM_001077366.2, NM_001353194.2, NM_001353197.2 and 3 more transcripts); c.662A>C, p.His221Pro (NM_001136113.2, NM_001353193.2, NM_001374690.1 and 1 more transcripts); c.311A>C, p.His104Pro (NM_001136114.2, NM_001353195.2, NM_001353199.2 and 2 more transcripts); c.572A>C, p.His191Pro (NM_001353196.2); c.206A>C, p.His69Pro (NM_001353200.2, NM_001374695.1); short protein forms H104P, H167P, H191P, H221P, H69P.
Identifiers: ClinVar variation 1197815 (VCV001197815.2), dbSNP rs150652167, ClinGen allele CA5293367.

ClinVar aggregate classification (germline): Uncertain significance (1 of 4 stars; one submission).

Submission:

GeneDx
Classification: Uncertain significance. Last evaluated: 2019-12-16. Review status: criteria provided, single submitter. Criteria: GeneDx Variant Classification Process June 2021. Collection method: clinical testing. Allele origin: germline. Affected: yes.
Comment: Not observed at a significant frequency in large population cohorts (Lek et al., 2016); In silico analysis, which includes protein predictors and evolutionary conservation, supports a deleterious effect; Has not been previously published as pathogenic or benign to our knowledge